The following is an entry in ClinVar:

NM_001365951.3(KIF1B):c.2117A>T (p.Asp706Val)

Gene: KIF1B (kinesin family member 1B; plus strand). Cytogenetic location: 1p36.22.
Variant type: single nucleotide variant.
Coding change: c.2117A>T on transcript NM_001365951.3 (MANE Select); coding-DNA position 2117, A replaced by T.
Protein change: p.Asp706Val; replaces aspartic acid 706 with valine.
Molecular consequence: missense variant.
Genome position (GRCh38, 1-based): chr1:10,320,044, A>T. VCF-style: chr1-10320044-A-T. GRCh37 (hg19) VCF-style: chr1-10380102-A-T.
Other names: c.2117A>T, p.Asp706Val (NM_001365952.1); c.1979A>T, p.Asp660Val (NM_015074.3); short protein forms D660V, D706V.
Identifiers: ClinVar variation 3226378 (VCV003226378.1), dbSNP rs2521594139, ClinGen allele CA338332228.

ClinVar aggregate classification (germline): Uncertain significance (1 of 4 stars; one submission).

Submission:

Ambry Genetics
Classification: Uncertain significance. Last evaluated: 2024-01-31. Review status: criteria provided, single submitter. Criteria: Ambry Variant Classification Scheme 2023. Collection method: clinical testing. Allele origin: germline.
Comment: The p.D660V variant (also known as c.1979A>T), located in coding exon 20 of the KIF1B gene, results from an A to T substitution at nucleotide position 1979. The aspartic acid at codon 660 is replaced by valine, an amino acid with highly dissimilar properties. This amino acid position is conserved. In addition, this alteration is predicted to be tolerated by in silico analysis. Based on the available evidence, the clinical significance of this alteration remains unclear.